The following is an entry in ClinVar:

ClinVar aggregate classification (germline): Uncertain significance (1 of 4 stars; one submission).

Conditions:
Creatine transporter deficiency (CCDS1). Also called: Creatine Transporter (CRTR) Deficiency; Mental retardation , X-linked with seizures, short stature and midface hypoplasia; Mental retardation , X-linked, with creatine transport deficiency; X-linked creatine transporter deficiency; X-linked creatine deficiency syndrome; SLC6A8-Related Creatine Transporter Deficiency. Identifiers: Orphanet 52503, MedGen C1845862, MONDO:0010305, OMIM 300352.

Submission:

Labcorp Genetics (formerly Invitae), Labcorp
Classification: Uncertain significance for Creatine transporter deficiency. Last evaluated: 2020-02-01. Review status: criteria provided, single submitter. Criteria: Invitae Variant Classification Sherloc (09022015). Collection method: clinical testing. Allele origin: germline.
Comment: In summary, the available evidence is currently insufficient to determine the role of this variant in disease. Therefore, it has been classified as a Variant of Uncertain Significance. Algorithms developed to predict the effect of missense changes on protein structure and function (SIFT, PolyPhen-2, Align-GVGD) all suggest that this variant is likely to be tolerated, but these predictions have not been confirmed by published functional studies and their clinical significance is uncertain. This variant has not been reported in the literature in individuals with SLC6A8-related conditions. This variant is not present in population databases (ExAC no frequency). This sequence change replaces leucine with isoleucine at codon 198 of the SLC6A8 protein (p.Leu198Ile). The leucine residue is weakly conserved and there is a small physicochemical difference between leucine and isoleucine.

NM_005629.4(SLC6A8):c.592C>A (p.Leu198Ile)

Gene: SLC6A8 (solute carrier family 6 member 8; plus strand). Cytogenetic location: Xq28.
Variant type: single nucleotide variant.
Coding change: c.592C>A on transcript NM_005629.4 (MANE Select); coding-DNA position 592, C replaced by A.
Protein change: p.Leu198Ile; replaces leucine 198 with isoleucine.
Molecular consequence: missense variant.
Genome position (GRCh38, 1-based): chrX:153,691,501, C>A. VCF-style: chrX-153691501-C-A. GRCh37 (hg19) VCF-style: chrX-152956956-C-A.
Other names: c.592C>A, p.Leu198Ile (NM_001142805.2); c.247C>A, p.Leu83Ile (NM_001142806.1); short protein forms L198I, L83I.
Identifiers: ClinVar variation 942149 (VCV000942149.9), dbSNP rs1557044451, ClinGen allele CA415079256.